The following is an entry in ClinVar:

NM_001009944.3(PKD1):c.9331_9334delinsAG (p.Phe3111fs)

Gene: PKD1 (polycystin 1, transient receptor potential channel interacting; minus strand). Cytogenetic location: 16p13.3.
Variant type: Indel.
Coding change: c.9331_9334delinsAG on transcript NM_001009944.3 (MANE Select); coding-DNA positions 9331 to 9334, TTCT replaced by AG.
Protein change: p.Phe3111fs; shifts the reading frame from phenylalanine 3111.
Molecular consequence: frameshift variant.
Genome position (GRCh38, 1-based): chr16:2,102,124-2,102,127, AGAA replaced by CT on the plus strand (TTCT replaced by AG on the coding strand, the reverse complement: PKD1 is on the minus strand). VCF-style: chr16-2102124-AGAA-CT. GRCh37 (hg19) VCF-style: chr16-2152125-AGAA-CT.
Other names: c.9331_9334delinsAG, p.Phe3111fs (NM_000296.4); short protein forms F3111fs.
Identifiers: ClinVar variation 3768285 (VCV003768285.1).

ClinVar aggregate classification (germline): Pathogenic (1 of 4 stars; one submission).

Conditions:
Polycystic kidney disease, adult type (PKD1). Also called: Polycystic Kidney Disease 1, Autosomal Dominant; Polycystic kidney disease 1; Polycystic kidney disease 1, severe; POLYCYSTIC KIDNEY DISEASE, ADULT, TYPE I; Polycystic Kidney, Autosomal Dominant; POLYCYSTIC KIDNEY DISEASE 1 WITH OR WITHOUT POLYCYSTIC LIVER DISEASE. Identifiers: MedGen C3149841, MONDO:0008263, OMIM 173900.

Submission:

Women's Health and Genetics/Laboratory Corporation of America, LabCorp
Classification: Pathogenic for Polycystic kidney disease, adult type. Last evaluated: 2024-12-04. Review status: criteria provided, single submitter. Criteria: LabCorp Variant Classification Summary - May 2015. Collection method: clinical testing. Allele origin: germline.
Comment: Variant summary: PKD1 c.9331_9334delinsAG (p.Phe3111ArgfsX67) results in a premature termination codon, predicted to cause a truncation of the encoded protein or absence of the protein due to nonsense mediated decay, which are commonly known mechanisms for disease. The variant was absent in 31046 control chromosomes. To our knowledge, no occurrence of c.9331_9334delinsAG in individuals affected with Polycystic Kidney Disease 1 and no experimental evidence demonstrating its impact on protein function have been reported. No submitters have cited clinical-significance assessments for this variant to ClinVar. Based on the evidence outlined above, the variant was classified as pathogenic.